The following is an entry in ClinVar:

ClinVar aggregate classification (germline): Pathogenic (1 of 4 stars; one submission).

Conditions:
Autosomal recessive limb-girdle muscular dystrophy type 2A (LGMDR1). Also called: Limb-girdle muscular dystrophy, type 2A; Calpainopathy; Muscular dystrophy, limb-girdle, type 2A, Amish; LEYDEN-MOEBIUS MUSCULAR DYSTROPHY; MUSCULAR DYSTROPHY, PELVOFEMORAL. Identifiers: Orphanet 267, MedGen C1869123, MONDO:0009675, OMIM 253600. Disease mechanism: loss of function.

Submission:

Labcorp Genetics (formerly Invitae), Labcorp
Classification: Pathogenic for Autosomal recessive limb-girdle muscular dystrophy type 2A. Last evaluated: 2022-08-16. Review status: criteria provided, single submitter. Criteria: Invitae Variant Classification Sherloc (09022015). Collection method: clinical testing. Allele origin: germline.
Comment: For these reasons, this variant has been classified as Pathogenic. Algorithms developed to predict the effect of sequence changes on RNA splicing suggest that this variant may create or strengthen a splice site. This variant has not been reported in the literature in individuals affected with CAPN3-related conditions. This variant is not present in population databases (gnomAD no frequency). This sequence change creates a premature translational stop signal (p.His143Thrfs*36) in the CAPN3 gene. It is expected to result in an absent or disrupted protein product. Loss-of-function variants in CAPN3 are known to be pathogenic (PMID: 10330340, 15689361).

Literature cited by the submitters: PubMed 10330340; PubMed 15689361.

NM_000070.3(CAPN3):c.427del (p.His143fs)

Genes: CAPN3 (calpain 3; plus strand), LOC126862115 (BRD4-independent group 4 enhancer GRCh37_chr15:42677734-42678933; plus strand). Cytogenetic location: 15q15.1.
Variant type: Deletion.
Coding change: c.427del on transcript NM_000070.3 (MANE Select); coding-DNA position 427, one base deleted (C; older notation c.427delC).
Protein change: p.His143fs; shifts the reading frame from histidine 143.
Molecular consequence: frameshift variant.
Genome position (GRCh38, 1-based): chr15:42,386,214, C deleted. VCF-style (leftmost placement, unchanged base first): chr15-42386213-GC-G. GRCh37 (hg19) VCF-style: chr15-42678411-GC-G.
Other names: c.427del, p.His143fs (NM_024344.2, NM_173087.2); c.166delC, p.His56Thrfs (NM_212464.2); c.*120delC (NM_212467.2); short protein forms H143fs.
Identifiers: ClinVar variation 2077430 (VCV002077430.4), dbSNP rs2548255775, ClinGen allele CA2580089405.